The following is an entry in ClinVar:

ClinVar aggregate classification (germline): Uncertain significance (1 of 4 stars; one submission).

Submission:

Labcorp Genetics (formerly Invitae), Labcorp
Classification: Uncertain significance. Last evaluated: 2023-11-17. Review status: criteria provided, single submitter. Criteria: Invitae Variant Classification Sherloc (09022015). Collection method: clinical testing. Allele origin: germline.
Comment: This sequence change replaces asparagine, which is neutral and polar, with lysine, which is basic and polar, at codon 683 of the NEDD4L protein (p.Asn683Lys). This variant is not present in population databases (gnomAD no frequency). This variant has not been reported in the literature in individuals affected with NEDD4L-related conditions. Advanced modeling of protein sequence and biophysical properties (such as structural, functional, and spatial information, amino acid conservation, physicochemical variation, residue mobility, and thermodynamic stability) performed at Invitae indicates that this missense variant is expected to disrupt NEDD4L protein function with a positive predictive value of 80%. In summary, the available evidence is currently insufficient to determine the role of this variant in disease. Therefore, it has been classified as a Variant of Uncertain Significance.

NM_001144967.3(NEDD4L):c.2109T>A (p.Asn703Lys)

Gene: NEDD4L (NEDD4 like E3 ubiquitin protein ligase; plus strand). Cytogenetic location: 18q21.31.
Variant type: single nucleotide variant.
Coding change: c.2109T>A on transcript NM_001144967.3 (MANE Select); coding-DNA position 2109, T replaced by A.
Protein change: p.Asn703Lys; replaces asparagine 703 with lysine.
Molecular consequence: missense variant.
Genome position (GRCh38, 1-based): chr18:58,367,791, T>A. VCF-style: chr18-58367791-T-A. GRCh37 (hg19) VCF-style: chr18-56035023-T-A.
Other names: c.1746T>A, p.Asn582Lys (NM_001144964.1, NM_001144965.2, NM_001144966.3); c.2085T>A, p.Asn695Lys (NM_001144968.2); c.2025T>A, p.Asn675Lys (NM_001144969.2); c.1686T>A, p.Asn562Lys (NM_001144970.3, NM_001144971.2); c.1917T>A, p.Asn639Lys (NM_001243960.2); c.2049T>A, p.Asn683Lys (NM_015277.6); short protein forms N562K, N675K, N582K, N639K, N695K, N703K, N683K.
Identifiers: ClinVar variation 2696448 (VCV002696448.3), dbSNP rs2517725784, ClinGen allele CA402549838.
Genomic context (GRCh38, chr18:58,367,791, plus strand): 5'-CTTTCTCCTCAAAAGGGACAACTACACCCTTCAGATCAACCCTAATTCAGGCCTCTGTAA[T>A]GAGGATCATTTGTCCTACTTCACTTTTATTGGAAGAGTTGCTGGTCTGGCCGTATTTCAT-3'
Protein context (NP_001138439.1, residues 693-713): LQINPNSGLC[Asn703Lys]EDHLSYFTFI